The following is an entry in ClinVar:

ClinVar aggregate classification (germline): Uncertain significance (1 of 4 stars; one submission).

Conditions:
Neuropathy, hereditary sensory, type 2C. Also called: KIF1A-Related HSAN2 (HSAN2C); Hereditary sensory and autonomic neuropathy type IIC. Identifiers: Orphanet 970, MedGen C3280168, MONDO:0013634, OMIM 614213.
Hereditary spastic paraplegia 30. Identifiers: Orphanet 101010, MedGen C5235139, MONDO:0012476.
Intellectual disability, autosomal dominant 9 (NESCAVS). Also called: NESCAV SYNDROME; KIF1A-Related Neurodevelopmental Disorder. Identifiers: Orphanet 662367, MedGen C5393830, MONDO:0013656, OMIM 614255.

Submission:

Labcorp Genetics (formerly Invitae), Labcorp
Classification: Uncertain significance for Hereditary spastic paraplegia 30; Neuropathy, hereditary sensory, type 2C; Intellectual disability, autosomal dominant 9. Last evaluated: 2023-03-13. Review status: criteria provided, single submitter. Criteria: Invitae Variant Classification Sherloc (09022015). Collection method: clinical testing. Allele origin: germline.
Comment: Advanced modeling of protein sequence and biophysical properties (such as structural, functional, and spatial information, amino acid conservation, physicochemical variation, residue mobility, and thermodynamic stability) performed at Invitae indicates that this missense variant is not expected to disrupt KIF1A protein function. In summary, the available evidence is currently insufficient to determine the role of this variant in disease. Therefore, it has been classified as a Variant of Uncertain Significance. This variant has not been reported in the literature in individuals affected with KIF1A-related conditions. This variant is not present in population databases (gnomAD no frequency). This sequence change replaces lysine, which is basic and polar, with arginine, which is basic and polar, at codon 1544 of the KIF1A protein (p.Lys1544Arg).

NM_001244008.2(KIF1A):c.4934A>G (p.Lys1645Arg)

Gene: KIF1A (kinesin family member 1A; minus strand). Cytogenetic location: 2q37.3.
Variant type: single nucleotide variant.
Coding change: c.4934A>G on transcript NM_001244008.2 (MANE Select); coding-DNA position 4934, A replaced by G.
Protein change: p.Lys1645Arg; replaces lysine 1645 with arginine.
Molecular consequence: missense variant.
Genome position (GRCh38, 1-based): chr2:240,719,861, T>C on the plus strand (A>G on the coding strand, the complement: KIF1A is on the minus strand). VCF-style: chr2-240719861-T-C. GRCh37 (hg19) VCF-style: chr2-241659278-T-C.
Other names: c.4658A>G, p.Lys1553Arg (NM_001320705.2, NM_001379649.1); c.4685A>G, p.Lys1562Arg (NM_001330289.2); c.4733A>G, p.Lys1578Arg (NM_001330290.2, NM_001379648.1); c.5009A>G, p.Lys1670Arg (NM_001379631.1); c.4910A>G, p.Lys1637Arg (NM_001379632.1); c.4907A>G, p.Lys1636Arg (NM_001379633.1, NM_001379645.1); c.4760A>G, p.Lys1587Arg (NM_001379634.1); c.4757A>G, p.Lys1586Arg (NM_001379635.1, NM_001379646.1); and 7 more; short protein forms K1553R, K1578R, K1543R, K1544R, K1552R, K1587R, K1637R, K1561R.
Identifiers: ClinVar variation 2943652 (VCV002943652.3), dbSNP rs2536616290, ClinGen allele CA351300647.